The following is an entry in ClinVar:

ClinVar aggregate classification (germline): Uncertain significance. Review status: criteria provided, multiple submitters, no conflicts (2 of 4 stars). 2 submissions from 2 submitters: Uncertain significance (2). Last evaluated 2025-05-11.

Conditions:
Diffuse cerebral and cerebellar atrophy - intractable seizures - progressive microcephaly syndrome. Also called: Microcephaly, progressive, with seizures and cerebral and cerebellar atrophy. Identifiers: Orphanet 404437, MedGen C4014239, MONDO:0014335, OMIM 615760.

Allele frequency attached by ClinVar (database versions not stated): gnomAD exomes 0.00002 and 0.00003.
gnomAD v4.1: 20 of 1,612,510 alleles (0.0012%); highest among the groups gnomAD compares: East Asian, 0.042%; no homozygotes.

Submissions (2):

Labcorp Genetics (formerly Invitae), Labcorp
Classification: Uncertain significance for Diffuse cerebral and cerebellar atrophy - intractable seizures - progressive microcephaly syndrome. Last evaluated: 2025-05-11. Review status: criteria provided, single submitter. Criteria: Invitae Variant Classification Sherloc (09022015). Collection method: clinical testing. Allele origin: germline.
Comment: This sequence change replaces glutamic acid, which is acidic and polar, with alanine, which is neutral and non-polar, at codon 222 of the QARS protein (p.Glu222Ala). This variant is present in population databases (no rsID available, gnomAD 0.03%). This variant has not been reported in the literature in individuals affected with QARS-related conditions. ClinVar contains an entry for this variant (Variation ID: 838552). Invitae Evidence Modeling of protein sequence and biophysical properties (such as structural, functional, and spatial information, amino acid conservation, physicochemical variation, residue mobility, and thermodynamic stability) has been performed for this missense variant. However, the output from this modeling did not meet the statistical confidence thresholds required to predict the impact of this variant on QARS protein function. In summary, the available evidence is currently insufficient to determine the role of this variant in disease. Therefore, it has been classified as a Variant of Uncertain Significance.

Revvity Omics, Revvity
Classification: Uncertain significance for Diffuse cerebral and cerebellar atrophy - intractable seizures - progressive microcephaly syndrome. Last evaluated: 2023-11-01. Review status: criteria provided, single submitter. Criteria: ACMG Guidelines, 2015. Collection method: clinical testing. Allele origin: germline.

NM_005051.3(QARS1):c.665A>C (p.Glu222Ala)

Gene: QARS1 (glutaminyl-tRNA synthetase 1; minus strand). Cytogenetic location: 3p21.31.
Variant type: single nucleotide variant.
Coding change: c.665A>C on transcript NM_005051.3 (MANE Select); coding-DNA position 665, A replaced by C.
Protein change: p.Glu222Ala; replaces glutamic acid 222 with alanine.
Molecular consequence: missense variant. On other transcripts: non-coding transcript variant (1).
Genome position (GRCh38, 1-based): chr3:49,101,866, T>G on the plus strand (A>C on the coding strand, the complement: QARS1 is on the minus strand). VCF-style: chr3-49101866-T-G. GRCh37 (hg19) VCF-style: chr3-49139299-T-G.
Other names: c.632A>C, p.Glu211Ala (NM_001272073.2); short protein forms E211A, E222A.
Identifiers: ClinVar variation 838552 (VCV000838552.8), dbSNP rs1349950171, ClinGen allele CA352715485.
Genomic context (GRCh38, chr3:49,101,866, plus strand): 5'-GGGTTTTGACATGCCCACTAACCAGGCTTGTGGAACTTAAGGGCCTCCCCCCGGAGCTGC[T>G]CCATCAGAGACAGGGTCTGGTCAGCAGTCTCGCCTGTGGGGAACAAAACAAGGAAAACTT-3'
Protein context (NP_005042.1, residues 212-232): ETADQTLSLM[Glu222Ala]QLRGEALKFH